The following is an entry in ClinVar:

ClinVar aggregate classification (germline): Likely pathogenic (1 of 4 stars; one submission).

Submission:

GeneDx
Classification: Likely pathogenic. Last evaluated: 2017-10-25. Review status: criteria provided, single submitter. Criteria: GeneDx Variant Classification (06012015). Collection method: clinical testing. Allele origin: germline. Affected: yes.
Comment: The G1220V variant has not been published as a pathogenic variant, nor has it been reported as a benign variant to our knowledge. The G1220V variant is not observed in large population cohorts (Lek et al., 2016). G1220V occurs in the triple helical domain and replaces the Glycine in the canonical Gly-X-Y repeat. Variants in these Glycines result in poor winding of the collagen triple helix and a less functional protein. The G1220V variant is a conservative amino acid substitution, which is not likely to impact secondary protein structure as these residues share similar properties. This substitution occurs at a position that is conserved across species and in silico analysis predicts this variant is probably damaging to the protein structure/function. Missense variants in the same Glycine residue (G1220D) and in nearby Glycine residues (G1214E, G1217D, G1223V/D) have been reported in the Human Gene Mutation Database in association with COL4A5-related disorders (Stenson et al., 2014), supporting the functional importance of this region of the protein. In summary, this variant is likely pathogenic; however, the possibility that it is benign cannot be excluded.

NM_033380.3(COL4A5):c.3659G>T (p.Gly1220Val)

Gene: COL4A5 (collagen type IV alpha 5 chain; plus strand). Cytogenetic location: Xq22.3.
Variant type: single nucleotide variant.
Coding change: c.3659G>T on transcript NM_033380.3 (MANE Select); coding-DNA position 3659, G replaced by T.
Protein change: p.Gly1220Val; replaces glycine 1220 with valine.
Molecular consequence: missense variant.
Genome position (GRCh38, 1-based): chrX:108,668,373, G>T. VCF-style: chrX-108668373-G-T. GRCh37 (hg19) VCF-style: chrX-107911603-G-T.
Other names: c.3659G>T, p.Gly1220Val (NM_000495.5); short protein forms G1220V.
Identifiers: ClinVar variation 453113 (VCV000453113.2), dbSNP rs104886251, ClinGen allele CA413848553.